The following is an entry in ClinVar:

NM_006172.4(NPPA):c.425G>A (p.Ser142Asn)

Genes: NPPA (natriuretic peptide A; minus strand), NPPA-AS1 (NPPA antisense RNA 1; plus strand), LOC114827827 (VISTA enhancer hs2123; plus strand). Cytogenetic location: 1p36.22.
Variant type: single nucleotide variant.
Coding change: c.425G>A on transcript NM_006172.4 (MANE Select); coding-DNA position 425, G replaced by A.
Protein change: p.Ser142Asn; replaces serine 142 with asparagine.
Molecular consequence: missense variant.
Genome position (GRCh38, 1-based): chr1:11,847,138, C>T on the plus strand (G>A on the coding strand, the complement: NPPA is on the minus strand). VCF-style: chr1-11847138-C-T. GRCh37 (hg19) VCF-style: chr1-11907195-C-T.
Other names: c.425G>A (LRG_751t1); short protein forms S142N.
Identifiers: ClinVar variation 469608 (VCV000469608.8), dbSNP rs781197146, ClinGen allele CA597006.

ClinVar aggregate classification (germline): Uncertain significance (1 of 4 stars; one submission).

Conditions:
Atrial fibrillation, familial, 6 (ATFB6). Identifiers: MedGen C2677294, MONDO:0012816, OMIM 612201.

Allele frequency attached by ClinVar (database versions not stated): gnomAD 0.00001; ExAC 0.00002; gnomAD exomes 0.00003.
gnomAD v4.1: 22 of 1,560,002 alleles (0.0014%); highest among the groups gnomAD compares: Non-Finnish European, 0.0018%; no homozygotes.

Submission:

Labcorp Genetics (formerly Invitae), Labcorp
Classification: Uncertain significance for Atrial fibrillation, familial, 6. Last evaluated: 2023-02-27. Review status: criteria provided, single submitter. Criteria: Invitae Variant Classification Sherloc (09022015). Collection method: clinical testing. Allele origin: germline.
Comment: In summary, the available evidence is currently insufficient to determine the role of this variant in disease. Therefore, it has been classified as a Variant of Uncertain Significance. An algorithm developed to predict the effect of missense changes on protein structure and function (PolyPhen-2) suggests that this variant is likely to be disruptive. ClinVar contains an entry for this variant (Variation ID: 469608). This variant has not been reported in the literature in individuals affected with NPPA-related conditions. This variant is present in population databases (rs781197146, gnomAD 0.004%). This sequence change replaces serine, which is neutral and polar, with asparagine, which is neutral and polar, at codon 142 of the NPPA protein (p.Ser142Asn).